The following is an entry in ClinVar:

ClinVar aggregate classification (germline): Uncertain significance. Review status: criteria provided, multiple submitters, no conflicts (2 of 4 stars). 2 submissions from 2 submitters: Uncertain significance (2). Last evaluated 2025-10-27.

Conditions:
Inborn genetic diseases. Identifiers: MedGen C0950123, MeSH D030342.
Intellectual disability, autosomal recessive 53 (NEDHSCA). Also called: NEURODEVELOPMENTAL DISORDER WITH OR WITHOUT HYPOTONIA, SEIZURES, AND CEREBELLAR ATROPHY; GLYCOSYLPHOSPHATIDYLINOSITOL BIOSYNTHESIS DEFECT 13; Mental retardation, autosomal recessive 53. Identifiers: Orphanet 488635, MedGen C4310794, MONDO:0014832, OMIM 616917.

Allele frequency attached by ClinVar (database versions not stated): gnomAD exomes 0.00003 and 0.00011; ExAC 0.00014; ESP Exome Variant Server 0.00015; 1000 Genomes Project 30x 0.00016; 1000 Genomes Project 0.00020; TOPMed 0.00035; gnomAD 0.00043 and 0.00044.
gnomAD v4.1: 121 of 1,613,950 alleles (0.0075%); highest among the groups gnomAD compares: African/African-American, 0.14%; no homozygotes.

Submissions (2):

Labcorp Genetics (formerly Invitae), Labcorp
Classification: Uncertain significance for Intellectual disability, autosomal recessive 53. Last evaluated: 2025-10-27. Review status: criteria provided, single submitter. Criteria: Invitae Variant Classification Sherloc (09022015). Collection method: clinical testing. Allele origin: germline.
Comment: This sequence change replaces alanine, which is neutral and non-polar, with threonine, which is neutral and polar, at codon 839 of the PIGG protein (p.Ala839Thr). This variant is present in population databases (rs375229286, gnomAD 0.1%). This variant has not been reported in the literature in individuals affected with PIGG-related conditions. ClinVar contains an entry for this variant (Variation ID: 476338). Invitae Evidence Modeling of protein sequence and biophysical properties (such as structural, functional, and spatial information, amino acid conservation, physicochemical variation, residue mobility, and thermodynamic stability) indicates that this missense variant is not expected to disrupt PIGG protein function with a negative predictive value of 80%. In summary, the available evidence is currently insufficient to determine the role of this variant in disease. Therefore, it has been classified as a Variant of Uncertain Significance.

Ambry Genetics
Classification: Uncertain significance for Inborn genetic diseases. Last evaluated: 2022-10-06. Review status: criteria provided, single submitter. Criteria: Ambry Variant Classification Scheme 2023. Collection method: clinical testing. Allele origin: germline.

NM_001127178.3(PIGG):c.2515G>A (p.Ala839Thr)

Gene: PIGG (phosphatidylinositol glycan anchor biosynthesis class G (EMM blood group); plus strand). Cytogenetic location: 4p16.3.
Variant type: single nucleotide variant.
Coding change: c.2515G>A on transcript NM_001127178.3 (MANE Select); coding-DNA position 2515, G replaced by A.
Protein change: p.Ala839Thr; replaces alanine 839 with threonine.
Molecular consequence: missense variant. On other transcripts: non-coding transcript variant (6).
Genome position (GRCh38, 1-based): chr4:530,689, G>A. VCF-style: chr4-530689-G-A. GRCh37 (hg19) VCF-style: chr4-524478-G-A.
Other names: c.2515G>A (NM_001127178.1); c.2248G>A, p.Ala750Thr (NM_001289051.2, NM_001345986.2); c.2116G>A, p.Ala706Thr (NM_001289052.2); c.2224G>A, p.Ala742Thr (NM_001345987.2); c.1486G>A, p.Ala496Thr (NM_001345988.2); c.982G>A, p.Ala328Thr (NM_001345990.2, NM_001345991.2); c.1417G>A, p.Ala473Thr (NM_001345994.2); c.2491G>A, p.Ala831Thr (NM_017733.5); short protein forms A839T, A328T, A496T, A742T, A473T, A706T, A750T, A831T.
Identifiers: ClinVar variation 476338 (VCV000476338.9), dbSNP rs375229286, ClinGen allele CA2793647.